The following is an entry in ClinVar:

ClinVar aggregate classification (germline): Uncertain significance. Review status: criteria provided, multiple submitters, no conflicts (2 of 4 stars). 3 submissions from 3 submitters: Uncertain significance (3). Last evaluated 2026-06-20.

Conditions:
Cardiovascular phenotype. Identifiers: MedGen CN230736.
Myofibrillar myopathy 5. Also called: Filaminopathy (type); FILAMINOPATHY, AUTOSOMAL DOMINANT. Identifiers: Orphanet 171445, MedGen C1836050, MONDO:0012289, OMIM 609524.
Hypertrophic cardiomyopathy 26. Also called: Cardiomyopathy, familial hypertrophic, 26. Identifiers: Orphanet 75249, MedGen C4310749, MONDO:0014883, OMIM 617047.
Distal myopathy with posterior leg and anterior hand involvement. Also called: WILLIAMS DISTAL MYOPATHY. Identifiers: Orphanet 63273, MedGen C3279722, MONDO:0013550, OMIM 614065.

gnomAD v4.1: 3 of 1,587,908 alleles (0.00019%); highest among the groups gnomAD compares: Non-Finnish European, 0.00026%; no homozygotes.

Submissions (3):

Ambry Genetics
Classification: Uncertain significance for Cardiovascular phenotype. Last evaluated: 2026-06-20. Review status: criteria provided, single submitter. Criteria: Ambry Variant Classification Scheme 2023. Collection method: clinical testing. Allele origin: germline.
Comment: The p.D226E variant (also known as c.678C>A), located in coding exon 3 of the FLNC gene, results from a C to A substitution at nucleotide position 678. The aspartic acid at codon 226 is replaced by glutamic acid, an amino acid with highly similar properties. This amino acid position is conserved. In addition, this alteration is predicted to be tolerated by in silico analysis. Based on the available evidence, the clinical significance of this variant remains unclear.

Labcorp Genetics (formerly Invitae), Labcorp
Classification: Uncertain significance for Distal myopathy with posterior leg and anterior hand involvement; Myofibrillar myopathy 5; Hypertrophic cardiomyopathy 26. Last evaluated: 2024-02-23. Review status: criteria provided, single submitter. Criteria: Invitae Variant Classification Sherloc (09022015). Collection method: clinical testing. Allele origin: germline.
Comment: This sequence change replaces aspartic acid, which is acidic and polar, with glutamic acid, which is acidic and polar, at codon 226 of the FLNC protein (p.Asp226Glu). This variant is not present in population databases (gnomAD no frequency). This variant has not been reported in the literature in individuals affected with FLNC-related conditions. ClinVar contains an entry for this variant (Variation ID: 1708888). Advanced modeling of protein sequence and biophysical properties (such as structural, functional, and spatial information, amino acid conservation, physicochemical variation, residue mobility, and thermodynamic stability) has been performed at Invitae for this missense variant, however the output from this modeling did not meet the statistical confidence thresholds required to predict the impact of this variant on FLNC protein function. In summary, the available evidence is currently insufficient to determine the role of this variant in disease. Therefore, it has been classified as a Variant of Uncertain Significance.

GeneDx
Classification: Uncertain significance. Last evaluated: 2022-04-08. Review status: criteria provided, single submitter. Criteria: GeneDx Variant Classification Process June 2021. Collection method: clinical testing. Allele origin: germline. Affected: yes.
Comment: Has not been previously published as pathogenic or benign to our knowledge; Not observed at significant frequency in large population cohorts (gnomAD); In silico analysis supports that this missense variant does not alter protein structure/function

NM_001458.5(FLNC):c.678C>A (p.Asp226Glu)

Gene: FLNC (filamin C; plus strand). Cytogenetic location: 7q32.1.
Variant type: single nucleotide variant.
Coding change: c.678C>A on transcript NM_001458.5 (MANE Select); coding-DNA position 678, C replaced by A.
Protein change: p.Asp226Glu; replaces aspartic acid 226 with glutamic acid.
Molecular consequence: missense variant.
Genome position (GRCh38, 1-based): chr7:128,837,236, C>A. VCF-style: chr7-128837236-C-A. GRCh37 (hg19) VCF-style: chr7-128477290-C-A.
Other names: c.678C>A, p.Asp226Glu (NM_001127487.2); short protein forms D226E.
Identifiers: ClinVar variation 1708888 (VCV001708888.8), dbSNP rs769791248, ClinGen allele CA369221483.
Genomic context (GRCh38, chr7:128,837,236, plus strand): 5'-GGAGGCCTGGGACCCCAACCAGCCCGTGGAGAACGCCCGGGAGGCCATGCAGCAGGCCGA[C>A]GACTGGCTTGGGGTGCCCCAGGTACATGCGCAGATGGGGCAGGGGGGAAAGGGGGCAGGG-3'
Protein context (NP_001449.3, residues 216-236): ENAREAMQQA[Asp226Glu]DWLGVPQVIA